The following is an entry in ClinVar:

ClinVar aggregate classification (germline): Uncertain significance (1 of 4 stars; one submission).

Submission:

Labcorp Genetics (formerly Invitae), Labcorp
Classification: Uncertain significance. Last evaluated: 2022-08-01. Review status: criteria provided, single submitter. Criteria: Invitae Variant Classification Sherloc (09022015). Collection method: clinical testing. Allele origin: germline.
Comment: This sequence change replaces glutamic acid, which is acidic and polar, with lysine, which is basic and polar, at codon 1379 of the DLC1 protein (p.Glu1379Lys). This variant is not present in population databases (gnomAD no frequency). This variant has not been reported in the literature in individuals affected with DLC1-related conditions. Algorithms developed to predict the effect of missense changes on protein structure and function are either unavailable or do not agree on the potential impact of this missense change (SIFT: "Deleterious"; PolyPhen-2: "Probably Damaging"; Align-GVGD: "Class C0"). In summary, the available evidence is currently insufficient to determine the role of this variant in disease. Therefore, it has been classified as a Variant of Uncertain Significance.

NM_182643.3(DLC1):c.4135G>A (p.Glu1379Lys)

Gene: DLC1 (DLC1 Rho GTPase activating protein; minus strand). Cytogenetic location: 8p22.
Variant type: single nucleotide variant.
Coding change: c.4135G>A on transcript NM_182643.3 (MANE Select); coding-DNA position 4135, G replaced by A.
Protein change: p.Glu1379Lys; replaces glutamic acid 1379 with lysine.
Molecular consequence: missense variant.
Genome position (GRCh38, 1-based): chr8:13,088,644, C>T on the plus strand (G>A on the coding strand, the complement: DLC1 is on the minus strand). VCF-style: chr8-13088644-C-T. GRCh37 (hg19) VCF-style: chr8-12946153-C-T.
Other names: c.2602G>A, p.Glu868Lys (NM_001164271.2, NM_001348082.2, NM_001348083.1 and 6 more transcripts); c.2926G>A, p.Glu976Lys (NM_001316668.2); c.4135G>A, p.Glu1379Lys (NM_001348081.2, NM_001413124.1); c.2824G>A, p.Glu942Lys (NM_001413135.1, NM_006094.5); c.2605G>A, p.Glu869Lys (NM_001413136.1); c.2575G>A, p.Glu859Lys (NM_001413137.1, NM_001413131.1); c.2959G>A, p.Glu987Lys (NM_001413140.1); c.2707G>A, p.Glu903Lys (NM_001413129.1); and 2 more; short protein forms E868K, E976K, E942K, E1379K, E869K, E1021K, E859K, E903K.
Identifiers: ClinVar variation 2107818 (VCV002107818.4), dbSNP rs2536947670, ClinGen allele CA370340274.